The following is an entry in ClinVar:

NM_001205293.3(CACNA1E):c.2473A>C (p.Ser825Arg)

Gene: CACNA1E (calcium voltage-gated channel subunit alpha1 E; plus strand). Cytogenetic location: 1q25.3.
Variant type: single nucleotide variant.
Coding change: c.2473A>C on transcript NM_001205293.3 (MANE Select); coding-DNA position 2473, A replaced by C.
Protein change: p.Ser825Arg; replaces serine 825 with arginine.
Molecular consequence: missense variant.
Genome position (GRCh38, 1-based): chr1:181,732,559, A>C. VCF-style: chr1-181732559-A-C. GRCh37 (hg19) VCF-style: chr1-181701695-A-C.
Other names: c.2473A>C, p.Ser825Arg (NM_000721.4); c.2416A>C, p.Ser806Arg (NM_001205294.2); short protein forms S825R, S806R.
Identifiers: ClinVar variation 2783678 (VCV002783678.3), dbSNP rs2528694603, ClinGen allele CA343617425.

ClinVar aggregate classification (germline): Uncertain significance (1 of 4 stars; one submission).

Submission:

Labcorp Genetics (formerly Invitae), Labcorp
Classification: Uncertain significance. Last evaluated: 2023-09-19. Review status: criteria provided, single submitter. Criteria: Invitae Variant Classification Sherloc (09022015). Collection method: clinical testing. Allele origin: germline.
Comment: In summary, the available evidence is currently insufficient to determine the role of this variant in disease. Therefore, it has been classified as a Variant of Uncertain Significance. Advanced modeling of protein sequence and biophysical properties (such as structural, functional, and spatial information, amino acid conservation, physicochemical variation, residue mobility, and thermodynamic stability) has been performed at Invitae for this missense variant, however the output from this modeling did not meet the statistical confidence thresholds required to predict the impact of this variant on CACNA1E protein function. This variant has not been reported in the literature in individuals affected with CACNA1E-related conditions. This variant is not present in population databases (gnomAD no frequency). This sequence change replaces serine, which is neutral and polar, with arginine, which is basic and polar, at codon 825 of the CACNA1E protein (p.Ser825Arg).